The following is an entry in ClinVar:

NM_000130.5(F5):c.763T>A (p.Trp255Arg)

Gene: F5 (coagulation factor V; minus strand). Cytogenetic location: 1q24.2.
Variant type: single nucleotide variant.
Coding change: c.763T>A on transcript NM_000130.5 (MANE Select); coding-DNA position 763, T replaced by A.
Protein change: p.Trp255Arg; replaces tryptophan 255 with arginine.
Molecular consequence: missense variant.
Genome position (GRCh38, 1-based): chr1:169,556,835, A>T on the plus strand (T>A on the coding strand, the complement: F5 is on the minus strand). VCF-style: chr1-169556835-A-T. GRCh37 (hg19) VCF-style: chr1-169526073-A-T.
Other names: short protein forms W255R.
Identifiers: ClinVar variation 3339871 (VCV003339871.1).

ClinVar aggregate classification (germline): Uncertain significance (1 of 4 stars; one submission).

gnomAD v4.1: 1 of 1,614,088 alleles (0.000062%); no homozygotes.

Submission:

Women's Health and Genetics/Laboratory Corporation of America, LabCorp
Classification: Uncertain significance. Last evaluated: 2024-06-21. Review status: criteria provided, single submitter. Criteria: LabCorp Variant Classification Summary - May 2015. Collection method: clinical testing. Allele origin: germline.
Comment: Variant summary: F5 c.763T>A (p.Trp255Arg) results in a non-conservative amino acid change in the encoded protein sequence. Five of five in-silico tools predict a damaging effect of the variant on protein function. The variant was absent in 251014 control chromosomes. The available data on variant occurrences in the general population are insufficient to allow any conclusion about variant significance. To our knowledge, no occurrence of c.763T>A in individuals affected with Thrombophilia, factor V Leiden and no experimental evidence demonstrating its impact on protein function have been reported. No submitters have cited clinical-significance assessments for this variant to ClinVar. Based on the evidence outlined above, the variant was classified as uncertain significance.